The following is an entry in ClinVar:

ClinVar aggregate classification (germline): Uncertain significance (1 of 4 stars; one submission).

Conditions:
Familial hemiplegic migraine. Identifiers: MedGen C0338484, MONDO:0000700.

Submission:

Labcorp Genetics (formerly Invitae), Labcorp
Classification: Uncertain significance for Familial hemiplegic migraine. Last evaluated: 2023-06-29. Review status: criteria provided, single submitter. Criteria: Invitae Variant Classification Sherloc (09022015). Collection method: clinical testing. Allele origin: germline.
Comment: In summary, the available evidence is currently insufficient to determine the role of this variant in disease. Therefore, it has been classified as a Variant of Uncertain Significance. Algorithms developed to predict the effect of sequence changes on RNA splicing suggest that this variant may create or strengthen a splice site. This variant has not been reported in the literature in individuals affected with ATP1A2-related conditions. This variant is not present in population databases (gnomAD no frequency). This sequence change affects codon 324 of the ATP1A2 mRNA. It is a 'silent' change, meaning that it does not change the encoded amino acid sequence of the ATP1A2 protein.

NM_000702.4(ATP1A2):c.972C>T (p.Gly324=)

Gene: ATP1A2 (ATPase Na+/K+ transporting subunit alpha 2; plus strand). Cytogenetic location: 1q23.2.
Variant type: single nucleotide variant.
Coding change: c.972C>T on transcript NM_000702.4 (MANE Select); coding-DNA position 972, C replaced by T.
Protein change: p.Gly324=; no amino-acid change (glycine 324 retained).
Molecular consequence: synonymous variant.
Genome position (GRCh38, 1-based): chr1:160,127,775, C>T. VCF-style: chr1-160127775-C-T. GRCh37 (hg19) VCF-style: chr1-160097565-C-T.
Identifiers: ClinVar variation 2851510 (VCV002851510.3), dbSNP rs2524865617, ClinGen allele CA421599591.